The following is an entry in ClinVar:

NM_001614.5(ACTG1):c.888C>T (p.Asn296=)

Gene: ACTG1 (actin gamma 1; minus strand). Cytogenetic location: 17q25.3.
Variant type: single nucleotide variant.
Coding change: c.888C>T on transcript NM_001614.5 (MANE Select); coding-DNA position 888, C replaced by T.
Protein change: p.Asn296=; no amino-acid change (asparagine 296 retained).
Molecular consequence: synonymous variant. On other transcripts: non-coding transcript variant (1).
Genome position (GRCh38, 1-based): chr17:81,511,023, G>A on the plus strand (C>T on the coding strand, the complement: ACTG1 is on the minus strand). VCF-style: chr17-81511023-G-A. GRCh37 (hg19) VCF-style: chr17-79478049-G-A.
Other names: c.888C>T, p.Asn296= (NM_001199954.3).
Identifiers: ClinVar variation 1545906 (VCV001545906.34), dbSNP rs782140372, ClinGen allele CA8835912.
Genomic context (GRCh38, chr17:81,511,023, plus strand): 5'-CTCCTTCTGCATCCTGTCGGCAATGCCCGGGTACATGGTGGTGCCGCCCGACAGCACCGT[G>A]TTGGCGTACAGGTCTTTGCGGATGTCCACGTCACACTTCATGATGGAGTTGAAGGTGGTC-3'
Protein context (NP_001605.1, residues 286-306): DVDIRKDLYA[Asn296=]TVLSGGTTMY

ClinVar aggregate classification (germline): Likely benign. Review status: criteria provided, multiple submitters, no conflicts (2 of 4 stars). 2 submissions from 2 submitters: Likely benign (2). Last evaluated 2024-07-26.

Conditions:
Baraitser-winter syndrome 2. Identifiers: Orphanet 2995, MedGen C3281235, MONDO:0013812, OMIM 614583.
Autosomal dominant nonsyndromic hearing loss 20. Identifiers: Orphanet 90635, MedGen C1858172, MONDO:0011480, OMIM 604717.

Allele frequency attached by ClinVar (database versions not stated): gnomAD exomes below 0.00001 and 0.00001; TOPMed below 0.00001; ExAC 0.00002.
gnomAD v4.1: 4 of 1,614,064 alleles (0.00025%); highest among the groups gnomAD compares: Admixed American, 0.0033%; no homozygotes.

Submissions (2):

Labcorp Genetics (formerly Invitae), Labcorp
Classification: Likely benign for Baraitser-winter syndrome 2; Autosomal dominant nonsyndromic hearing loss 20. Last evaluated: 2024-07-26. Review status: criteria provided, single submitter. Criteria: Invitae Variant Classification Sherloc (09022015). Collection method: clinical testing. Allele origin: germline.

CeGaT Center for Human Genetics Tuebingen
Classification: Likely benign. Last evaluated: 2023-04-01. Review status: criteria provided, single submitter. Criteria: CeGaT Center For Human Genetics Tuebingen Variant Classification Criteria Version 2. Collection method: clinical testing. Allele origin: germline. Affected: yes. Observed: 1 variant allele.
Comment: ACTG1: BP4, BP7